The following is an entry in ClinVar:

NM_014679.5(CEP57):c.84G>C (p.Met28Ile)

Gene: CEP57 (centrosomal protein 57; plus strand). Cytogenetic location: 11q21.
Variant type: single nucleotide variant.
Coding change: c.84G>C on transcript NM_014679.5 (MANE Select); coding-DNA position 84, G replaced by C.
Protein change: p.Met28Ile; replaces methionine 28 with isoleucine.
Molecular consequence: missense variant. On other transcripts: initiator codon variant (7).
Genome position (GRCh38, 1-based): chr11:95,799,270, G>C. VCF-style: chr11-95799270-G-C. GRCh37 (hg19) VCF-style: chr11-95532434-G-C.
Other names: c.57G>C, p.Met19Ile (NM_001243776.2); c.84G>C, p.Met28Ile (NM_001243777.2, NM_001440871.1, NM_001440872.1 and 6 more transcripts); c.3G>C, p.Met1Ile (NM_001363604.2, NM_001440869.1, NM_001440870.1 and 4 more transcripts); short protein forms M1I, M19I, M28I.
Identifiers: ClinVar variation 4613538 (VCV004613538.1).

ClinVar aggregate classification (germline): Uncertain significance (1 of 4 stars; one submission).

Conditions:
Inborn genetic diseases. Identifiers: MedGen C0950123, MeSH D030342.

Submission:

Ambry Genetics
Classification: Uncertain significance for Inborn genetic diseases. Last evaluated: 2025-10-22. Review status: criteria provided, single submitter. Criteria: Ambry Variant Classification Scheme 2023. Collection method: clinical testing. Allele origin: germline.
Comment: The p.M28I variant (also known as c.84G>C), located in coding exon 2 of the CEP57 gene, results from a G to C substitution at nucleotide position 84. The methionine at codon 28 is replaced by isoleucine, an amino acid with highly similar properties. This amino acid position is conserved. In addition, this alteration is predicted to be tolerated by in silico analysis. Based on the available evidence, the clinical significance of this variant remains unclear.